The following is an entry in ClinVar:

ClinVar aggregate classification (germline): Uncertain significance (1 of 4 stars; one submission).

Allele frequency attached by ClinVar (database versions not stated): gnomAD exomes below 0.00001.
gnomAD v4.1: 2 of 1,614,180 alleles (0.00012%); highest among the groups gnomAD compares: Middle Eastern, 0.017%; no homozygotes.

Submission:

Ambry Genetics
Classification: Uncertain significance. Last evaluated: 2023-11-01. Review status: criteria provided, single submitter. Criteria: Ambry Variant Classification Scheme 2023. Collection method: clinical testing. Allele origin: germline.
Comment: The p.T308I variant (also known as c.923C>T), located in coding exon 9 of the RAD54L gene, results from a C to T substitution at nucleotide position 923. The threonine at codon 308 is replaced by isoleucine, an amino acid with similar properties. This amino acid position is conserved. In addition, this alteration is predicted to be deleterious by in silico analysis. Since supporting evidence is limited at this time, the clinical significance of this alteration remains unclear.

NM_003579.4(RAD54L):c.923C>T (p.Thr308Ile)

Gene: RAD54L (RAD54 like; plus strand). Cytogenetic location: 1p34.1.
Variant type: single nucleotide variant.
Coding change: c.923C>T on transcript NM_003579.4 (MANE Select); coding-DNA position 923, C replaced by T.
Protein change: p.Thr308Ile; replaces threonine 308 with isoleucine.
Molecular consequence: missense variant.
Genome position (GRCh38, 1-based): chr1:46,267,490, C>T. VCF-style: chr1-46267490-C-T. GRCh37 (hg19) VCF-style: chr1-46733162-C-T.
Other names: c.923C>T, p.Thr308Ile (NM_001142548.2); c.383C>T, p.Thr128Ile (NM_001370766.1); short protein forms T128I, T308I.
Identifiers: ClinVar variation 1766289 (VCV001766289.2), dbSNP rs1660299032, ClinGen allele CA340192126.